The following is an entry in ClinVar:

ClinVar aggregate classification (germline): Conflicting classifications of pathogenicity. Review status: criteria provided, conflicting classifications (1 of 4 stars). 4 submissions from 4 submitters: Uncertain significance (1); Likely benign (3). Last evaluated 2026-04-22.

Conditions:
Inborn genetic diseases. Identifiers: MedGen C0950123, MeSH D030342.

Allele frequency attached by ClinVar (database versions not stated): gnomAD exomes 0.00008; ExAC 0.00012; gnomAD 0.00030 and 0.00027; ESP Exome Variant Server 0.00031; TOPMed 0.00031; 1000 Genomes Project 30x 0.00016; 1000 Genomes Project 0.00020.
gnomAD v4.1: 72 of 1,612,722 alleles (0.0045%); highest among the groups gnomAD compares: African/African-American, 0.092%; no homozygotes.

Submissions (4):

Women's Health and Genetics/Laboratory Corporation of America, LabCorp
Classification: Uncertain significance. Last evaluated: 2026-04-22. Review status: criteria provided, single submitter. Criteria: LabCorp Variant Classification Summary - May 2015. Collection method: clinical testing. Allele origin: germline.
Comment: Variant summary: COL4A1 c.3949+6A>G alters a conserved nucleotide located close to a canonical splice site and therefore could affect mRNA splicing, leading to a significantly altered protein sequence. Consensus agreement among computation tools predict no significant impact on normal splicing. However, these predictions have yet to be confirmed by functional studies. The variant allele was found at a frequency of 7.6e-05 in 251472 control chromosomes. This frequency is not significantly higher than estimated for disease-causing variants in COL4A1, allowing no conclusion about variant significance. To our knowledge, no occurrence of c.3949+6A>G in individuals affected with COL4A1-related conditions and no experimental evidence demonstrating its impact on protein function have been reported. ClinVar contains an entry for this variant (Variation ID: 1526347). Based on the evidence outlined above, the variant was classified as uncertain significance.

Labcorp Genetics (formerly Invitae), Labcorp
Classification: Likely benign. Last evaluated: 2026-01-11. Review status: criteria provided, single submitter. Criteria: Invitae Variant Classification Sherloc (09022015). Collection method: clinical testing. Allele origin: germline.

Ambry Genetics
Classification: Likely benign for Inborn genetic diseases. Last evaluated: 2025-02-25. Review status: criteria provided, single submitter. Criteria: Ambry Variant Classification Scheme 2023. Collection method: clinical testing. Allele origin: germline.

GeneDx
Classification: Likely benign. Last evaluated: 2021-04-22. Review status: criteria provided, single submitter. Criteria: GeneDx Variant Classification Process June 2021. Collection method: clinical testing. Allele origin: germline. Affected: yes.

NM_001845.6(COL4A1):c.3949+6A>G

Gene: COL4A1 (collagen type IV alpha 1 chain; minus strand). Cytogenetic location: 13q34.
Variant type: single nucleotide variant.
Coding change: c.3949+6A>G on transcript NM_001845.6 (MANE Select); 6 bases into the intron after coding-DNA position 3949, A replaced by G.
Molecular consequence: intron variant.
Genome position (GRCh38, 1-based): chr13:110,167,152, T>C on the plus strand (A>G on the coding strand, the complement: COL4A1 is on the minus strand). VCF-style: chr13-110167152-T-C. GRCh37 (hg19) VCF-style: chr13-110819499-T-C.
Other names: c.3949+6A>G (NM_001845.4).
Identifiers: ClinVar variation 1526347 (VCV001526347.11), dbSNP rs374341500, ClinGen allele CA7047097.